The following is an entry in ClinVar:

NM_000321.3(RB1):c.2294A>G (p.Lys765Arg)

Gene: RB1 (RB transcriptional corepressor 1; plus strand). Cytogenetic location: 13q14.2.
Variant type: single nucleotide variant.
Coding change: c.2294A>G on transcript NM_000321.3 (MANE Select); coding-DNA position 2294, A replaced by G.
Protein change: p.Lys765Arg; replaces lysine 765 with arginine.
Molecular consequence: missense variant.
Genome position (GRCh38, 1-based): chr13:48,465,080, A>G. VCF-style: chr13-48465080-A-G. GRCh37 (hg19) VCF-style: chr13-49039216-A-G.
Other names: c.2294A>G (NM_000321.2); short protein forms K765R.
Identifiers: ClinVar variation 1348804 (VCV001348804.9), dbSNP rs2138344931, ClinGen allele CA388167667.

ClinVar aggregate classification (germline): Uncertain significance. Review status: criteria provided, multiple submitters, no conflicts (2 of 4 stars). 2 submissions from 2 submitters: Uncertain significance (2). Last evaluated 2024-06-10.

Conditions:
Hereditary cancer-predisposing syndrome. Also called: Hereditary neoplastic syndrome; Tumor predisposition; Neoplastic Syndromes, Hereditary; Hereditary Cancer Syndrome. Identifiers: Orphanet 140162, MedGen C0027672, MeSH D009386, MONDO:0015356.
Retinoblastoma (RB1). Also called: RETINOBLASTOMA, SOMATIC. Identifiers: Orphanet 790, MedGen C0035335, MeSH D012175, MONDO:0008380, OMIM 180200, HP:0009919. Disease mechanism: loss of function. Inheritance: Both sporadic and heritable forms are tested..

Submissions (2):

Ambry Genetics
Classification: Uncertain significance for Hereditary cancer-predisposing syndrome. Last evaluated: 2024-06-10. Review status: criteria provided, single submitter. Criteria: Ambry Variant Classification Scheme 2023. Collection method: clinical testing. Allele origin: germline.
Comment: The p.K765R variant (also known as c.2294A>G), located in coding exon 22 of the RB1 gene, results from an A to G substitution at nucleotide position 2294. The lysine at codon 765 is replaced by arginine, an amino acid with highly similar properties. This amino acid position is highly conserved in available vertebrate species. In addition, this alteration is predicted to be deleterious by in silico analysis. Based on the available evidence, the clinical significance of this variant remains unclear.

Labcorp Genetics (formerly Invitae), Labcorp
Classification: Uncertain significance for Retinoblastoma. Last evaluated: 2020-11-17. Review status: criteria provided, single submitter. Criteria: Invitae Variant Classification Sherloc (09022015). Collection method: clinical testing. Allele origin: germline.
Comment: Algorithms developed to predict the effect of missense changes on protein structure and function (SIFT, PolyPhen-2, Align-GVGD) all suggest that this variant is likely to be disruptive, but these predictions have not been confirmed by published functional studies and their clinical significance is uncertain. In summary, the available evidence is currently insufficient to determine the role of this variant in disease. Therefore, it has been classified as a Variant of Uncertain Significance. This sequence change replaces lysine with arginine at codon 765 of the RB1 protein (p.Lys765Arg). The lysine residue is highly conserved and there is a small physicochemical difference between lysine and arginine. This variant is not present in population databases (ExAC no frequency). This variant has not been reported in the literature in individuals with RB1-related conditions.